The following is an entry in ClinVar:

ClinVar aggregate classification (germline): Conflicting classifications of pathogenicity. Review status: criteria provided, conflicting classifications (1 of 4 stars). 9 submissions from 9 submitters: Pathogenic (3); Likely pathogenic (4); Uncertain significance (1). 1 of the submissions does not count toward it. Last evaluated 2026-04-16.

Conditions:
BBS2-related disorder. Also called: BBS2-related disorders; BBS2-related condition. Identifiers: MedGen CN239228.
BBS2-related ciliopathy. Identifiers: MedGen CN378634, MONDO:1040048.
Retinitis pigmentosa 74 (RP74). Identifiers: Orphanet 791, MedGen C4225281, MONDO:0014692, OMIM 616562.
Bardet-Biedl syndrome 2 (BBS2). Identifiers: Orphanet 110, MedGen C2936863, MONDO:0014432, OMIM 615981.
Bardet-Biedl syndrome (BBS). Identifiers: Orphanet 110, MedGen C0752166, MONDO:0015229.

Allele frequency attached by ClinVar (database versions not stated): ExAC 0.00001; gnomAD 0.00001; gnomAD exomes 0.00001; TOPMed 0.00002.
gnomAD v4.1: 3 of 1,614,028 alleles (0.00019%); highest among the groups gnomAD compares: Non-Finnish European, 0.00025%; no homozygotes.

Submissions (9):

PreventionGenetics, part of Exact Sciences
Classification: Likely pathogenic for BBS2-related condition. Last evaluated: 2026-04-16. Review status: criteria provided, single submitter. Criteria: ACMG Guidelines, 2015. Collection method: clinical testing. Allele origin: germline.
Comment: The BBS2 c.241G>T variant is predicted to result in the amino acid substitution p.Gly81Cys. This variant has been reported in the compound heterozygous state with a second variant of uncertain significance in BBS2 in at least one individual with Bardet-Biedl syndrome (Deveault. 2011. PubMed ID: 21344540) as well as in the compound heterozygous state with a nonsense variant in a patient with a clinical diagnosis of BBS (Tiwari et al 2016. PubMed ID: 27353947). Internally, we have observed this variant in two patients that each carried an additional loss-of-function variant in BBS2 (PreventionGenetics internal data). This variant is reported in 0.0023% of alleles in individuals of European (Non-Finnish) descent in gnomAD. This variant is interpreted as likely pathogenic/pathogenic in ClinVar (Variation ID: 557198). This variant is interpreted as likely pathogenic.

Labcorp Genetics (formerly Invitae), Labcorp
Classification: Pathogenic for Bardet-Biedl syndrome. Last evaluated: 2025-11-06. Review status: criteria provided, single submitter. Criteria: Invitae Variant Classification Sherloc (09022015). Collection method: clinical testing. Allele origin: germline.
Comment: This sequence change replaces glycine, which is neutral and non-polar, with cysteine, which is neutral and slightly polar, at codon 81 of the BBS2 protein (p.Gly81Cys). This variant is present in population databases (rs750506474, gnomAD 0.002%). This missense change has been observed in individual(s) with Bardet-Biedl syndrome (PMID: 21344540, 27353947). In at least one individual the data is consistent with being in trans (on the opposite chromosome) from a pathogenic variant. It has also been observed to segregate with disease in related individuals. ClinVar contains an entry for this variant (Variation ID: 557198). Invitae Evidence Modeling of protein sequence and biophysical properties (such as structural, functional, and spatial information, amino acid conservation, physicochemical variation, residue mobility, and thermodynamic stability) indicates that this missense variant is expected to disrupt BBS2 protein function with a positive predictive value of 80%. For these reasons, this variant has been classified as Pathogenic.

Myriad Genetics, Inc.
Classification: Uncertain significance for BBS2-related ciliopathy. Last evaluated: 2025-10-31. Review status: criteria provided, single submitter. Criteria: Myriad Autosomal Dominant, Autosomal Recessive and X-Linked Classification Criteria (2023). Collection method: clinical testing. Allele origin: unknown.
Comment: NM_031885.3(BBS2):c.241G>T(G81C) is a missense variant classified as a variant of uncertain significance in the context of Bardet-Biedl syndrome, BBS2-related. G81C has been observed in a case with relevant disease (PMID: 21344540). Relevant functional assessments of this variant are not available in the literature. G81C has been observed in referenced population frequency databases. In summary, there is insufficient evidence to classify NM_031885.3(BBS2):c.241G>T(G81C) as pathogenic or benign. Please note: this variant was assessed in the context of healthy population screening.

Natera, Inc.
Classification: Likely pathogenic for Bardet-Biedl syndrome type 2. Last evaluated: 2025-07-03. Review status: criteria provided, single submitter. Criteria: Natera Variant Classification Schema (03/2026). Collection method: clinical testing. Allele origin: germline.
Comment: The c.241G>T variant in BBS2 is a missense variant predicted to cause substitution of glycine to cysteine at amino acid 81. This variant is rare in the general population with a frequency below the threshold expected for the associated phenotype(s). This variant has been observed in one or more individuals affected with the associated recessive disease, as either homozygous or compound heterozygous with a second variant (PMID: 27353947). This variant has been identified in one or more affected individuals with a phenotype highly consistent with the associated gene (PMID:27353947). Computational prediction algorithms indicate this variant is likely to affect gene or protein function. Given the available evidence, this variant is classified as Likely Pathogenic.

Fulgent Genetics
Classification: Likely pathogenic for Bardet-Biedl syndrome 2; Retinitis pigmentosa 74. Last evaluated: 2024-05-02. Review status: criteria provided, single submitter. Criteria: ACMG Guidelines, 2015. Collection method: clinical testing. Allele origin: germline.

Baylor Genetics
Classification: Likely pathogenic for Bardet-Biedl syndrome 2. Last evaluated: 2024-03-13. Review status: criteria provided, single submitter. Criteria: ACMG Guidelines, 2015. Collection method: clinical testing. Allele origin: unknown.

CeGaT Center for Human Genetics Tuebingen
Classification: Pathogenic. Last evaluated: 2018-06-01. Review status: criteria provided, single submitter. Criteria: CeGaT Center For Human Genetics Tuebingen Variant Classification Criteria Version 2. Collection method: clinical testing. Allele origin: germline. Affected: yes. Observed: 2 variant alleles.

Blueprint Genetics
Classification: Pathogenic for BBS2-related disorders. Last evaluated: 2017-12-22. Review status: criteria provided, single submitter. Criteria: ACMG Guidelines, 2015. Collection method: clinical testing. Allele origin: germline. Affected: yes. Observed: 1 variant allele.

Counsyl
Classification: Uncertain significance for Bardet-Biedl syndrome 2. Last evaluated: 2018-03-12. Review status: no assertion criteria provided. Collection method: clinical testing. Allele origin: unknown. Not counted in ClinVar's aggregate classification.

Literature cited by the submitters: PubMed 21344540 (cited by 3 submitters); PubMed 27353947 (cited by 3 submitters).

NM_031885.5(BBS2):c.241G>T (p.Gly81Cys)

Gene: BBS2 (Bardet-Biedl syndrome 2; minus strand). Cytogenetic location: 16q13.
Variant type: single nucleotide variant.
Coding change: c.241G>T on transcript NM_031885.5 (MANE Select); coding-DNA position 241, G replaced by T.
Protein change: p.Gly81Cys; replaces glycine 81 with cysteine.
Molecular consequence: missense variant. On other transcripts: non-coding transcript variant (5).
Genome position (GRCh38, 1-based): chr16:56,514,557, C>A on the plus strand (G>T on the coding strand, the complement: BBS2 is on the minus strand). VCF-style: chr16-56514557-C-A. GRCh37 (hg19) VCF-style: chr16-56548469-C-A.
Other names: c.241G>T, p.Gly81Cys (NM_001377456.1); short protein forms G81C.
Identifiers: ClinVar variation 557198 (VCV000557198.57), dbSNP rs750506474, ClinGen allele CA8066092.